The following is an entry in ClinVar:

ClinVar aggregate classification (germline): Likely pathogenic (1 of 4 stars; one submission).

Submission:

Labcorp Genetics (formerly Invitae), Labcorp
Classification: Likely pathogenic. Last evaluated: 2023-05-13. Review status: criteria provided, single submitter. Criteria: Invitae Variant Classification Sherloc (09022015). Collection method: clinical testing. Allele origin: germline.
Comment: In summary, the currently available evidence indicates that the variant is pathogenic, but additional data are needed to prove that conclusively. Therefore, this variant has been classified as Likely Pathogenic. Algorithms developed to predict the effect of sequence changes on RNA splicing suggest that this variant may disrupt the consensus splice site. This variant has not been reported in the literature in individuals affected with TTPA-related conditions. This variant is not present in population databases (gnomAD no frequency). This sequence change affects a donor splice site in intron 1 of the TTPA gene. It is expected to disrupt RNA splicing. Variants that disrupt the donor or acceptor splice site typically lead to a loss of protein function (PMID: 16199547), and loss-of-function variants in TTPA are known to be pathogenic (PMID: 9463307, 26068213).

Literature cited by the submitters: PubMed 16199547; PubMed 9463307; PubMed 26068213.

NM_000370.3(TTPA):c.204+2T>C

Gene: TTPA (alpha tocopherol transfer protein; minus strand). Cytogenetic location: 8q12.3.
Variant type: single nucleotide variant.
Coding change: c.204+2T>C on transcript NM_000370.3 (MANE Select); the canonical splice donor site of the intron after coding-DNA position 204, T replaced by C.
Molecular consequence: splice donor variant.
Genome position (GRCh38, 1-based): chr8:63,085,816, A>G on the plus strand (T>C on the coding strand, the complement: TTPA is on the minus strand). VCF-style: chr8-63085816-A-G. GRCh37 (hg19) VCF-style: chr8-63998375-A-G.
Other names: c.204+2T>C (NM_001413417.1, NM_001413414.1, NM_001413415.1 and 2 more transcripts).
Identifiers: ClinVar variation 2864020 (VCV002864020.3), dbSNP rs2487199918, ClinGen allele CA371403342.